The following is an entry in ClinVar:

ClinVar aggregate classification (germline): Uncertain significance (1 of 4 stars; one submission).

gnomAD v4.1: 1 of 1,609,342 alleles (0.000062%); no homozygotes.

Submission:

Labcorp Genetics (formerly Invitae), Labcorp
Classification: Uncertain significance. Last evaluated: 2025-05-21. Review status: criteria provided, single submitter. Criteria: Invitae Variant Classification Sherloc (09022015). Collection method: clinical testing. Allele origin: germline.
Comment: This sequence change replaces methionine, which is neutral and non-polar, with isoleucine, which is neutral and non-polar, at codon 3115 of the CDH23 protein (p.Met3115Ile). This variant is not present in population databases (gnomAD no frequency). This variant has not been reported in the literature in individuals affected with CDH23-related conditions. ClinVar contains an entry for this variant (Variation ID: 1428686). Invitae Evidence Modeling of protein sequence and biophysical properties (such as structural, functional, and spatial information, amino acid conservation, physicochemical variation, residue mobility, and thermodynamic stability) has been performed for this missense variant. However, the output from this modeling did not meet the statistical confidence thresholds required to predict the impact of this variant on CDH23 protein function. In summary, the available evidence is currently insufficient to determine the role of this variant in disease. Therefore, it has been classified as a Variant of Uncertain Significance.

NM_022124.6(CDH23):c.9345G>A (p.Met3115Ile)

Gene: CDH23 (cadherin related 23; plus strand). Cytogenetic location: 10q22.1.
Variant type: single nucleotide variant.
Coding change: c.9345G>A on transcript NM_022124.6 (MANE Select); coding-DNA position 9345, G replaced by A.
Protein change: p.Met3115Ile; replaces methionine 3115 with isoleucine.
Molecular consequence: missense variant. On other transcripts: 5 prime UTR variant (2).
Genome position (GRCh38, 1-based): chr10:71,811,980, G>A. VCF-style: chr10-71811980-G-A. GRCh37 (hg19) VCF-style: chr10-73571737-G-A.
Other names: c.2625G>A, p.Met875Ile (NM_001171933.1, NM_001171934.1); c.-312G>A (NM_001171935.1, NM_001171936.1); short protein forms M875I, M3115I.
Identifiers: ClinVar variation 1428686 (VCV001428686.4), dbSNP rs2133004121, ClinGen allele CA377135906.
Genomic context (GRCh38, chr10:71,811,980, plus strand): 5'-CCCTCCCCTCCATGCCCCAACCCTTCTCCCTGCAGGGAATCGTGGCTTCATCGACATCAT[G>A]GACATGCCTAACACCAACAAGTACTCCTTTGATGGGTGAGTGGGGTACTGGCCCTGCCCG-3'
Protein context (NP_071407.4, residues 3105-3125): SAGNRGFIDI[Met3115Ile]DMPNTNKYSF